The following is an entry in ClinVar:

ClinVar aggregate classification (germline): Likely benign. Review status: criteria provided, multiple submitters, no conflicts (2 of 4 stars). 2 submissions from 2 submitters: Likely benign (2). Last evaluated 2025-10-06.

Conditions:
PRPF8-related disorder. Also called: PRPF8-related condition.

Submissions (2):

Labcorp Genetics (formerly Invitae), Labcorp
Classification: Likely benign. Last evaluated: 2025-10-06. Review status: criteria provided, single submitter. Criteria: Invitae Variant Classification Sherloc (09022015). Collection method: clinical testing. Allele origin: germline.

PreventionGenetics, part of Exact Sciences
Classification: Likely benign for PRPF8-related condition. Last evaluated: 2025-09-10. Review status: criteria provided, single submitter. Criteria: ACMG Guidelines, 2015. Collection method: clinical testing. Allele origin: germline.
Comment: This variant is classified as likely benign based on ACMG/AMP sequence variant interpretation guidelines (Richards et al. 2015 PMID: 25741868, with internal and published modifications).

NM_006445.4(PRPF8):c.735C>T (p.Leu245=)

Gene: PRPF8 (pre-mRNA processing factor 8; minus strand). Cytogenetic location: 17p13.3.
Variant type: single nucleotide variant.
Coding change: c.735C>T on transcript NM_006445.4 (MANE Select); coding-DNA position 735, C replaced by T.
Protein change: p.Leu245=; no amino-acid change (leucine 245 retained).
Molecular consequence: synonymous variant.
Genome position (GRCh38, 1-based): chr17:1,681,609, G>A on the plus strand (C>T on the coding strand, the complement: PRPF8 is on the minus strand). VCF-style: chr17-1681609-G-A. GRCh37 (hg19) VCF-style: chr17-1584903-G-A.
Other names: c.735C>T (NM_006445.3).
Identifiers: ClinVar variation 3676229 (VCV003676229.3).